The following is an entry in ClinVar:

ClinVar aggregate classification (germline): Likely benign (1 of 4 stars; one submission).

gnomAD v4.1: 4,858 of 1,613,972 alleles (0.3%); highest among the groups gnomAD compares: Non-Finnish European, 0.3%; 14 homozygotes.

Submission:

CeGaT Center for Human Genetics Tuebingen
Classification: Likely benign. Last evaluated: 2025-01-01. Review status: criteria provided, single submitter. Criteria: CeGaT Center For Human Genetics Tuebingen Variant Classification Criteria Version 2. Collection method: clinical testing. Allele origin: germline. Affected: yes. Observed: 1 variant allele.
Comment: PCDHA11: BP4, BS2

NM_018902.5(PCDHA11):c.103G>C (p.Val35Leu)

Genes: PCDHA10 (protocadherin alpha 10; plus strand), PCDHA11 (protocadherin alpha 11; plus strand), PCDHA2 (protocadherin alpha 2; plus strand), PCDHA-AS1 (protocadherin alpha cluster antisense RNA 1; minus strand), PCDHA1 (protocadherin alpha 1; plus strand) and 8 more. Cytogenetic location: 5q31.3.
Variant type: single nucleotide variant.
Coding change: c.103G>C on transcript NM_018902.5 (MANE Select); coding-DNA position 103, G replaced by C.
Protein change: p.Val35Leu; replaces valine 35 with leucine.
Molecular consequence: missense variant. On other transcripts: non-coding transcript variant (1), intron variant (13).
Genome position (GRCh38, 1-based): chr5:140,869,206, G>C. VCF-style: chr5-140869206-G-C. GRCh37 (hg19) VCF-style: chr5-140248791-G-C.
Other names: c.103G>C, p.Val35Leu (NM_031861.3); c.2394+80522G>C (NM_018900.4); c.1602+81314G>C (NM_031411.3); c.2388+71854G>C (NM_018905.3); c.2394+65615G>C (NM_018906.3); c.2385+59634G>C (NM_018907.4); c.2352+45079G>C (NM_018908.3); c.2394+38721G>C (NM_018909.4); and 6 more; short protein forms V35L.
Identifiers: ClinVar variation 3770681 (VCV003770681.13).